The following is an entry in ClinVar:

ClinVar aggregate classification (germline): Uncertain significance (1 of 4 stars; one submission).

Submission:

Ambry Genetics
Classification: Uncertain significance. Last evaluated: 2025-12-20. Review status: criteria provided, single submitter. Criteria: Ambry Variant Classification Scheme 2023. Collection method: clinical testing. Allele origin: germline.
Comment: The p.V534F variant (also known as c.1600G>T), located in coding exon 9 of the PALLD gene, results from a G to T substitution at nucleotide position 1600. The valine at codon 534 is replaced by phenylalanine, an amino acid with highly similar properties. This amino acid position is conserved. In addition, the in silico prediction for this alteration is inconclusive. Based on the available evidence, the clinical significance of this variant remains unclear.

NM_001166108.2(PALLD):c.3112G>T (p.Val1038Phe)

Genes: CBR4 (carbonyl reductase 4; minus strand), PALLD (palladin, cytoskeletal associated protein; plus strand). Cytogenetic location: 4q32.3.
Variant type: single nucleotide variant.
Coding change: c.3112G>T on transcript NM_001166108.2 (MANE Select); coding-DNA position 3112, G replaced by T.
Protein change: p.Val1038Phe; replaces valine 1038 with phenylalanine.
Molecular consequence: missense variant.
Genome position (GRCh38, 1-based): chr4:168,924,308, G>T. VCF-style: chr4-168924308-G-T. GRCh37 (hg19) VCF-style: chr4-169845459-G-T.
Other names: c.1915G>T, p.Val639Phe (NM_001166109.2); c.1600G>T, p.Val534Phe (NM_001166110.2); c.940G>T, p.Val314Phe (NM_001367567.1, NM_001367569.1); c.991G>T, p.Val331Phe (NM_001367568.1, NM_001367570.1); c.3061G>T, p.Val1021Phe (NM_016081.4); short protein forms V331F, V639F, V1038F, V1021F, V314F, V534F.
Identifiers: ClinVar variation 4841852 (VCV004841852.1).